The following is an entry in ClinVar:

ClinVar aggregate classification (germline): Likely benign. Review status: criteria provided, multiple submitters, no conflicts (2 of 4 stars). 3 submissions from 3 submitters: Likely benign (2). 1 of the submissions does not count toward it. Last evaluated 2025-04-14.

Conditions:
NPHP4-related disorder. Also called: NPHP4-related condition; NPHP4-related disorders. Identifiers: MedGen CN239384.
Nephronophthisis. Also called: Juvenile Nephronophthisis. Identifiers: Orphanet 655, MedGen C0687120, MONDO:0019005, HP:0000090.

Allele frequency attached by ClinVar (database versions not stated): gnomAD 0.00004 and 0.00011; TOPMed 0.00006; ExAC 0.00007; gnomAD exomes 0.00007 and 0.00022; 1000 Genomes Project 30x 0.00047; 1000 Genomes Project 0.00060.
gnomAD v4.1: 327 of 1,613,414 alleles (0.02%); highest among the groups gnomAD compares: East Asian, 0.32%; 1 homozygote.

Submissions (3):

Labcorp Genetics (formerly Invitae), Labcorp
Classification: Likely benign for Nephronophthisis. Last evaluated: 2025-04-14. Review status: criteria provided, single submitter. Criteria: Invitae Variant Classification Sherloc (09022015). Collection method: clinical testing. Allele origin: germline.

Blueprint Genetics
Classification: Likely benign. Last evaluated: 2024-04-15. Review status: criteria provided, single submitter. Criteria: ACMG Guidelines, 2015. Collection method: clinical testing. Allele origin: germline.

PreventionGenetics, part of Exact Sciences
Classification: Likely benign for NPHP4-related condition. Last evaluated: 2020-09-02. Review status: no assertion criteria provided. Collection method: clinical testing. Allele origin: germline. Not counted in ClinVar's aggregate classification.
Comment: This variant is classified as likely benign based on ACMG/AMP sequence variant interpretation guidelines (Richards et al. 2015 PMID: 25741868, with internal and published modifications).

NM_015102.5(NPHP4):c.1863C>T (p.Ser621=)

Gene: NPHP4 (nephrocystin 4; minus strand). Cytogenetic location: 1p36.31.
Variant type: single nucleotide variant.
Coding change: c.1863C>T on transcript NM_015102.5 (MANE Select); coding-DNA position 1863, C replaced by T.
Protein change: p.Ser621=; no amino-acid change (serine 621 retained).
Molecular consequence: synonymous variant. On other transcripts: non-coding transcript variant (1).
Genome position (GRCh38, 1-based): chr1:5,905,384, G>A on the plus strand (C>T on the coding strand, the complement: NPHP4 is on the minus strand). VCF-style: chr1-5905384-G-A. GRCh37 (hg19) VCF-style: chr1-5965444-G-A.
Other names: c.324C>T, p.Ser108= (NM_001291593.2); c.327C>T, p.Ser109= (NM_001291594.2); c.1863C>T (NM_015102.4).
Identifiers: ClinVar variation 1132074 (VCV001132074.12), dbSNP rs185572258, ClinGen allele CA554345.